The following is an entry in ClinVar:

NM_147127.5(EVC2):c.2061T>C (p.Arg687=)

Gene: EVC2 (EvC ciliary complex subunit 2; minus strand). Cytogenetic location: 4p16.2.
Variant type: single nucleotide variant.
Coding change: c.2061T>C on transcript NM_147127.5 (MANE Select); coding-DNA position 2061, T replaced by C.
Protein change: p.Arg687=; no amino-acid change (arginine 687 retained).
Molecular consequence: synonymous variant.
Genome position (GRCh38, 1-based): chr4:5,622,977, A>G on the plus strand (T>C on the coding strand, the complement: EVC2 is on the minus strand). VCF-style: chr4-5622977-A-G. GRCh37 (hg19) VCF-style: chr4-5624704-A-G.
Other names: c.1821T>C, p.Arg607= (NM_001166136.2).
Identifiers: ClinVar variation 262609 (VCV000262609.18), dbSNP rs73198153, ClinGen allele CA2834821.
Genomic context (GRCh38, chr4:5,622,977, plus strand): 5'-CAGGTACTGGCCGGCATCCTCAACCGTTCGGAAGGCCTCGCCGACGGACGCCTGCTCCCT[A>G]CGCTGCTCCCTGTGCTGGAGTTTCAGAAAAGAAAATTAAGTGGGGGTGGGGCTTGGCGGG-3'
Protein context (NP_667338.3, residues 677-697): RELLQKHREQ[Arg687=]REQASVGEAF

ClinVar aggregate classification (germline): Benign. Review status: criteria provided, multiple submitters, no conflicts (2 of 4 stars). 7 submissions from 7 submitters: Benign (7). Last evaluated 2026-05-09.

Conditions:
Ellis-van Creveld syndrome (EVC). Also called: Chondroectodermal dysplasia; MESOECTODERMAL DYSPLASIA. Identifiers: Orphanet 289, MedGen C0013903, MONDO:0009162, OMIM 225500.
Curry-Hall syndrome (WAD). Also called: WEYERS ACRODENTAL DYSOSTOSIS. Identifiers: Orphanet 952, MedGen C0457013, MONDO:0008673, OMIM 193530.

Allele frequency attached by ClinVar (database versions not stated): gnomAD exomes 0.06052 and 0.06860; ExAC 0.07464; gnomAD 0.10972 and 0.11242; TOPMed 0.11499; 1000 Genomes Project 0.11801; ESP Exome Variant Server 0.11838; 1000 Genomes Project 30x 0.11883.
gnomAD v4.1: 105,418 of 1,613,516 alleles (6.5%); highest among the groups gnomAD compares: African/African-American, 25%; 5,292 homozygotes.

Submissions (7):

Women's Health and Genetics/Laboratory Corporation of America, LabCorp
Classification: Benign. Last evaluated: 2026-05-09. Review status: criteria provided, single submitter. Criteria: LabCorp Variant Classification Summary - May 2015. Collection method: clinical testing. Allele origin: germline.

Labcorp Genetics (formerly Invitae), Labcorp
Classification: Benign for Curry-Hall syndrome; Ellis-van Creveld syndrome. Last evaluated: 2026-02-04. Review status: criteria provided, single submitter. Criteria: Invitae Variant Classification Sherloc (09022015). Collection method: clinical testing. Allele origin: germline.

Blueprint Genetics
Classification: Benign. Last evaluated: 2024-11-26. Review status: criteria provided, single submitter. Criteria: ACMG Guidelines, 2015. Collection method: clinical testing. Allele origin: germline.

Illumina Laboratory Services, Illumina
Classification: Benign for Ellis-van Creveld syndrome. Last evaluated: 2018-01-12. Review status: criteria provided, single submitter. Criteria: ICSL Variant Classification Criteria 13 December 2019. Collection method: clinical testing. Allele origin: germline.
Comment: This variant was observed in the ICSL laboratory as part of a predisposition screen in an ostensibly healthy population. It had not been previously curated by ICSL or reported in the Human Gene Mutation Database (HGMD: prior to June 1st, 2018), and was therefore a candidate for classification through an automated scoring system. Utilizing variant allele frequency, disease prevalence and penetrance estimates, and inheritance mode, an automated score was calculated to assess if this variant is too frequent to cause the disease. Based on the score and internal cut-off values, a variant classified as benign is not then subjected to further curation. The score for this variant resulted in a classification of benign for this disease.

GeneDx
Classification: Benign. Last evaluated: 2016-04-15. Review status: criteria provided, single submitter. Criteria: GeneDx Variant Classification (06012015). Collection method: clinical testing. Allele origin: germline. Affected: yes.
Comment: This variant is considered likely benign or benign based on one or more of the following criteria: it is a conservative change, it occurs at a poorly conserved position in the protein, it is predicted to be benign by multiple in silico algorithms, and/or has population frequency not consistent with disease.

Breakthrough Genomics
Classification: Benign. Review status: criteria provided, single submitter. Criteria: ACMG Guidelines, 2015. Collection method: not provided. Allele origin: germline. Inheritance: Autosomal recessive inheritance. Affected: yes.

PreventionGenetics, part of Exact Sciences
Classification: Benign. Review status: criteria provided, single submitter. Criteria: ACMG Guidelines, 2015. Collection method: clinical testing. Allele origin: germline.